The following is an entry in ClinVar:

NM_004839.4(HOMER2):c.6-4G>C

Gene: HOMER2 (homer scaffold protein 2; minus strand). Cytogenetic location: 15q25.2.
Variant type: single nucleotide variant.
Coding change: c.6-4G>C on transcript NM_004839.4 (MANE Select); 4 bases into the intron before coding-DNA position 6, G replaced by C.
Molecular consequence: intron variant.
Genome position (GRCh38, 1-based): chr15:82,892,845, C>G on the plus strand (G>C on the coding strand, the complement: HOMER2 is on the minus strand). VCF-style: chr15-82892845-C-G. GRCh37 (hg19) VCF-style: chr15-83561597-C-G.
Other names: p.?; c.6-4G>C (NM_199330.3).
Identifiers: ClinVar variation 508574 (VCV000508574.12), dbSNP rs75933412, ClinGen allele CA7702303.
Genomic context (GRCh38, chr15:82,892,845, plus strand): 5'-TTGGTGTTGGGGTCAATCTGGAAGACATGCGCTCGGGTGGTGAAGATGGGCTGTTCTCTG[C>G]AATAAGAGAGTGGGCGTGTGAGTTGAGAGAACATGACTTAATGTATAATTTATGATTTCT-3'

ClinVar aggregate classification (germline): Benign. Review status: criteria provided, multiple submitters, no conflicts (2 of 4 stars). 5 submissions from 5 submitters: Benign (5). Last evaluated 2026-02-01.

Allele frequency attached by ClinVar (database versions not stated): ESP Exome Variant Server 0.00073; gnomAD 0.00942 and 0.00963; 1000 Genomes Project 0.01677; 1000 Genomes Project 30x 0.01780; TOPMed 0.01829; ExAC 0.02013; gnomAD exomes 0.02633.
gnomAD v4.1: 10,146 of 1,555,928 alleles (0.65%); highest among the groups gnomAD compares: Admixed American, 15%; 905 homozygotes.

Submissions (5):

Labcorp Genetics (formerly Invitae), Labcorp
Classification: Benign. Last evaluated: 2026-02-01. Review status: criteria provided, single submitter. Criteria: Invitae Variant Classification Sherloc (09022015). Collection method: clinical testing. Allele origin: germline.

Mayo Clinic Laboratories, Mayo Clinic
Classification: Benign. Last evaluated: 2021-12-24. Review status: criteria provided, single submitter. Criteria: ACMG Guidelines, 2015. Collection method: clinical testing. Allele origin: germline. Observed: 11 variant alleles.

Athena Diagnostics
Classification: Benign. Last evaluated: 2018-12-05. Review status: criteria provided, single submitter. Criteria: Athena Diagnostics Criteria. Collection method: clinical testing. Allele origin: germline.

GeneDx
Classification: Benign. Last evaluated: 2017-05-09. Review status: criteria provided, single submitter. Criteria: GeneDx Variant Classification (06012015). Collection method: clinical testing. Allele origin: germline. Affected: yes.
Comment: This variant is considered likely benign or benign based on one or more of the following criteria: it is a conservative change, it occurs at a poorly conserved position in the protein, it is predicted to be benign by multiple in silico algorithms, and/or has population frequency not consistent with disease.

Breakthrough Genomics
Classification: Benign. Review status: criteria provided, single submitter. Criteria: ACMG Guidelines, 2015. Collection method: not provided. Allele origin: germline. Inheritance: Autosomal dominant inheritance. Affected: yes.